The following is an entry in ClinVar:

NM_001171.6(ABCC6):c.1058C>T (p.Ala353Val)

Gene: ABCC6 (ATP binding cassette subfamily C member 6; minus strand). Cytogenetic location: 16p13.11.
Variant type: single nucleotide variant.
Coding change: c.1058C>T on transcript NM_001171.6 (MANE Select); coding-DNA position 1058, C replaced by T.
Protein change: p.Ala353Val; replaces alanine 353 with valine.
Molecular consequence: missense variant. On other transcripts: non-coding transcript variant (1).
Genome position (GRCh38, 1-based): chr16:16,202,119, G>A on the plus strand (C>T on the coding strand, the complement: ABCC6 is on the minus strand). VCF-style: chr16-16202119-G-A. GRCh37 (hg19) VCF-style: chr16-16295976-G-A.
Other names: c.1058C>T (NM_001171.5); c.716C>T, p.Ala239Val (NM_001351800.1); short protein forms A239V, A353V.
Identifiers: ClinVar variation 1690715 (VCV001690715.7), dbSNP rs369074083, ClinGen allele CA7926476.
Genomic context (GRCh38, chr16:16,202,119, plus strand): 5'-CTGTACATGTTCTGCTGCTCAAACAGCGTTTGCAGGCAGGCTGAGAGGAACATCAGCACG[G>A]CGAGGAGGTAGCCCTTCCAGGCTGGAGGCTTGGGATCACCAATAAACTCCAGGAAAAGGC-3'
Protein context (NP_001162.5, residues 343-363): KPPAWKGYLL[Ala353Val]VLMFLSACLQ

ClinVar aggregate classification (germline): Conflicting classifications of pathogenicity. Review status: criteria provided, conflicting classifications (1 of 4 stars). 3 submissions from 3 submitters: Likely pathogenic (1); Uncertain significance (2). Last evaluated 2025-08-03.

Conditions:
Inborn genetic diseases. Identifiers: MedGen C0950123, MeSH D030342.
Arterial calcification, generalized, of infancy, 2. Identifiers: Orphanet 51608, MedGen C3276161, MONDO:0013768, OMIM 614473.
Autosomal recessive inherited pseudoxanthoma elasticum (PXE). Identifiers: Orphanet 758, MedGen CN032334, MONDO:0009925, OMIM 264800.
Pseudoxanthoma elasticum, forme fruste. Also called: Pseudoxanthoma Elasticum, Incomplete; PSEUDOXANTHOMA ELASTICUM, HETEROZYGOUS. Identifiers: Orphanet 758, MedGen C1867450, MONDO:0008333, OMIM 177850.

Allele frequency attached by ClinVar (database versions not stated): gnomAD exomes 0.00003 and 0.00002; gnomAD 0.00010; TOPMed 0.00015; ExAC 0.00003; ESP Exome Variant Server 0.00008.

Submissions (3):

Ambry Genetics
Classification: Uncertain significance for Inborn genetic diseases. Last evaluated: 2025-08-03. Review status: criteria provided, single submitter. Criteria: Ambry Variant Classification Scheme 2023. Collection method: clinical testing. Allele origin: germline.

Fulgent Genetics
Classification: Uncertain significance for Pseudoxanthoma elasticum, forme fruste; Autosomal recessive inherited pseudoxanthoma elasticum; Arterial calcification, generalized, of infancy, 2. Last evaluated: 2024-03-05. Review status: criteria provided, single submitter. Criteria: ACMG Guidelines, 2015. Collection method: clinical testing. Allele origin: germline.

Laboratorio de Genetica e Diagnostico Molecular, Hospital Israelita Albert Einstein
Classification: Likely pathogenic. Last evaluated: 2019-03-21. Review status: criteria provided, single submitter. Criteria: ACMG Guidelines, 2015. Collection method: clinical testing. Allele origin: germline. Affected: yes.
Comment: ACMG classification criteria: PM1, PM2, PP2, PP3